The following is an entry in ClinVar:

ClinVar aggregate classification (germline): Uncertain significance. Review status: criteria provided, single submitter (1 of 4 stars). 2 submissions from 2 submitters: Uncertain significance (1). 1 of the submissions does not count toward it. Last evaluated 2024-05-21.

Conditions:
Autism (AUTS). Also called: Autistic disorder; Autistic disorder of childhood onset. Identifiers: MedGen C0004352, MeSH D001321, MONDO:0005260, OMIM 209850, HP:0000717.

gnomAD v4.1: 137 of 1,613,668 alleles (0.0085%); highest among the groups gnomAD compares: South Asian, 0.12%; 1 homozygote.

Submissions (2):

Blueprint Genetics
Classification: Uncertain significance. Last evaluated: 2024-05-21. Review status: criteria provided, single submitter. Criteria: ACMG Guidelines, 2015. Collection method: clinical testing. Allele origin: germline.

Centre for Addiction & Mental Health
Classification: Uncertain significance for Autism. Review status: no assertion criteria provided. Collection method: research. Allele origin: biparental. Affected: yes. Observed: 1 homozygote. Segregation with disease observed. Not counted in ClinVar's aggregate classification.
Comment: Gene not previously associated with disease; independent supportng evidence needed

NM_001977.4(ENPEP):c.2671C>T (p.Arg891Ter)

Gene: ENPEP (glutamyl aminopeptidase; plus strand). Cytogenetic location: 4q25.
Variant type: single nucleotide variant.
Coding change: c.2671C>T on transcript NM_001977.4 (MANE Select); coding-DNA position 2671, C replaced by T.
Protein change: p.Arg891Ter; replaces arginine 891 with a stop codon.
Molecular consequence: nonsense. On other transcripts: non-coding transcript variant (2).
Genome position (GRCh38, 1-based): chr4:110,559,675, C>T. VCF-style: chr4-110559675-C-T. GRCh37 (hg19) VCF-style: chr4-111480831-C-T.
Other names: c.2671C>T, p.Arg891Ter (NM_001379611.1); c.2446C>T, p.Arg816Ter (NM_001379613.1); short protein forms R816*, R891*.
Identifiers: ClinVar variation 3338179 (VCV003338179.3).
Genomic context (GRCh38, chr4:110,559,675, plus strand): 5'-TACACTTCCTTTTACTCTAAATTTCTCTCCAGATATACACTCAATAACAGAAACCTTGGC[C>T]GAATTGTCACAATAGCAGAGCCATTCAACACTGAACTGCAACTGTGGCAGGTATGAAGAT-3'